The following is an entry in ClinVar:

ClinVar aggregate classification (germline): Benign/Likely benign. Review status: criteria provided, multiple submitters, no conflicts (2 of 4 stars). 2 submissions from 2 submitters: Benign (1); Likely benign (1). Last evaluated 2026-07-01.

Allele frequency attached by ClinVar (database versions not stated): gnomAD exomes 0.00008 and 0.00018; TOPMed 0.00008; gnomAD 0.00010 and 0.00011; ExAC 0.00017; ESP Exome Variant Server 0.00024.
gnomAD v4.1: 136 of 1,613,750 alleles (0.0084%); highest among the groups gnomAD compares: Non-Finnish European, 0.0019%; 1 homozygote.

Submissions (2):

CeGaT Center for Human Genetics Tuebingen
Classification: Likely benign. Last evaluated: 2026-07-01. Review status: criteria provided, single submitter. Criteria: CeGaT Center For Human Genetics Tuebingen Variant Classification Criteria Version 2. Collection method: clinical testing. Allele origin: germline. Affected: yes. Observed: 1 variant allele.
Comment: ROBO1: BP4, BP7

Labcorp Genetics (formerly Invitae), Labcorp
Classification: Benign. Last evaluated: 2025-06-01. Review status: criteria provided, single submitter. Criteria: Invitae Variant Classification Sherloc (09022015). Collection method: clinical testing. Allele origin: germline.

NM_002941.4(ROBO1):c.4608T>C (p.Asp1536=)

Gene: ROBO1 (roundabout guidance receptor 1; minus strand). Cytogenetic location: 3p12.3.
Variant type: single nucleotide variant.
Coding change: c.4608T>C on transcript NM_002941.4 (MANE Select); coding-DNA position 4608, T replaced by C.
Protein change: p.Asp1536=; no amino-acid change (aspartic acid 1536 retained).
Molecular consequence: synonymous variant.
Genome position (GRCh38, 1-based): chr3:78,606,869, A>G on the plus strand (T>C on the coding strand, the complement: ROBO1 is on the minus strand). VCF-style: chr3-78606869-A-G. GRCh37 (hg19) VCF-style: chr3-78656019-A-G.
Other names: c.4308T>C, p.Asp1436= (NM_001145845.2); c.4473T>C, p.Asp1491= (NM_133631.4).
Identifiers: ClinVar variation 757385 (VCV000757385.7), dbSNP rs369610856, ClinGen allele CA2498016.